The following is an entry in ClinVar:

NM_004092.4(ECHS1):c.832G>A (p.Ala278Thr)

Gene: ECHS1 (enoyl-CoA hydratase, short chain 1; minus strand). Cytogenetic location: 10q26.3.
Variant type: single nucleotide variant.
Coding change: c.832G>A on transcript NM_004092.4 (MANE Select); coding-DNA position 832, G replaced by A.
Protein change: p.Ala278Thr; replaces alanine 278 with threonine.
Molecular consequence: missense variant.
Genome position (GRCh38, 1-based): chr10:133,362,909, C>T on the plus strand (G>A on the coding strand, the complement: ECHS1 is on the minus strand). VCF-style: chr10-133362909-C-T. GRCh37 (hg19) VCF-style: chr10-135176413-C-T.
Other names: short protein forms A278T.
Identifiers: ClinVar variation 1203134 (VCV001203134.12), dbSNP rs933592081, ClinGen allele CA216813350.

ClinVar aggregate classification (germline): Likely pathogenic. Review status: criteria provided, multiple submitters, no conflicts (2 of 4 stars). 4 submissions from 4 submitters: Likely pathogenic (3). 1 of the submissions does not count toward it. Last evaluated 2026-09-21.

Conditions:
Fetal anomalies with a likely genetic cause.
Mitochondrial short-chain Enoyl-Coa hydratase 1 deficiency. Also called: Mitochondrial Short-Chain Enoyl-CoA Hydratase Deficiency; ECHS1 deficiency; PxMD-ECHS1. Identifiers: Orphanet 255241, Orphanet 653880, MedGen C4225391, MONDO:0014563, OMIM 616277.

Allele frequency attached by ClinVar (database versions not stated): gnomAD exomes 0.00001; TOPMed 0.00001; gnomAD 0.00002.

Submissions (4):

Genetics Laboratory, Great Ormond Street Hospital NHS Foundation Trust, North Thames Genomic Laboratory Hub
Classification: Likely pathogenic for Fetal anomalies with a likely genetic cause. Last evaluated: 2026-09-21. Review status: criteria provided, single submitter. Criteria: ACGS Best Practice Guidelines for Variant Classification in Rare Disease 2024 v1.2. Collection method: clinical testing. Allele origin: germline. Affected: yes.
Comment: PM2_moderate, BP4_supporting, PS3_supporting, PM3_moderate, PP4_moderate

Labcorp Genetics (formerly Invitae), Labcorp
Classification: Likely pathogenic. Last evaluated: 2023-12-11. Review status: criteria provided, single submitter. Criteria: Invitae Variant Classification Sherloc (09022015). Collection method: clinical testing. Allele origin: germline.
Comment: This sequence change replaces alanine, which is neutral and non-polar, with threonine, which is neutral and polar, at codon 278 of the ECHS1 protein (p.Ala278Thr). This variant is present in population databases (no rsID available, gnomAD 0.006%). This missense change has been observed in individual(s) with enoyl-CoA hydratase 1 deficiency (PMID: 32642440, 34667719; Invitae). In at least one individual the data is consistent with being in trans (on the opposite chromosome) from a pathogenic variant. ClinVar contains an entry for this variant (Variation ID: 1203134). Advanced modeling of protein sequence and biophysical properties (such as structural, functional, and spatial information, amino acid conservation, physicochemical variation, residue mobility, and thermodynamic stability) performed at Invitae indicates that this missense variant is expected to disrupt ECHS1 protein function with a positive predictive value of 80%. In summary, the currently available evidence indicates that the variant is pathogenic, but additional data are needed to prove that conclusively. Therefore, this variant has been classified as Likely Pathogenic.

GeneDx
Classification: Likely pathogenic. Last evaluated: 2019-12-17. Review status: criteria provided, single submitter. Criteria: GeneDx Variant Classification Process June 2021. Collection method: clinical testing. Allele origin: germline. Affected: yes.
Comment: Has not been previously reported in peer-reviewed literature as pathogenic or benign to our knowledge. However, in an abstract by Abdenur et al. (2017), this variant was reported in two affected siblings with biochemical testing suggestive of ECHS1-related disorder. No second ECHS1 variant was reported.; Not observed at a significant frequency in large population cohorts (Lek et al., 2016); In silico analysis, which includes protein predictors and evolutionary conservation, supports a deleterious effect; This variant is associated with the following publications: (PMID: 33112498, 32642440)

OMIM
Classification: Pathogenic for MITOCHONDRIAL SHORT-CHAIN ENOYL-CoA HYDRATASE 1 DEFICIENCY. Last evaluated: 2024-08-05. Review status: no assertion criteria provided. Collection method: literature only. Allele origin: germline. Not counted in ClinVar's aggregate classification.

Literature cited by the submitters: PubMed 32642440 (cited by Labcorp Genetics (formerly Invitae), Labcorp); PubMed 34667719 (cited by Labcorp Genetics (formerly Invitae), Labcorp); PubMed 33112498 (cited by OMIM).